The following is an entry in ClinVar:

ClinVar aggregate classification (germline): Uncertain significance (1 of 4 stars; one submission).

Conditions:
Ataxia-telangiectasia syndrome (AT). Also called: Ataxia-telangiectasia, complementation group D; AT, COMPLEMENTATION GROUP C; ATAXIA-TELANGIECTASIA, COMPLEMENTATION GROUP A; ATAXIA-TELANGIECTASIA, FRESNO VARIANT; Ataxia-telangiectasia; Cerebello-oculocutaneous telangiectasia. Identifiers: Orphanet 100, MedGen C0004135, MONDO:0008840, OMIM 208900.

Submission:

Labcorp Genetics (formerly Invitae), Labcorp
Classification: Uncertain significance for Ataxia-telangiectasia syndrome. Last evaluated: 2024-04-30. Review status: criteria provided, single submitter. Criteria: Invitae Variant Classification Sherloc (09022015). Collection method: clinical testing. Allele origin: germline.
Comment: This sequence change replaces phenylalanine, which is neutral and non-polar, with leucine, which is neutral and non-polar, at codon 803 of the ATM protein (p.Phe803Leu). This variant is not present in population databases (gnomAD no frequency). This variant has not been reported in the literature in individuals affected with ATM-related conditions. ClinVar contains an entry for this variant (Variation ID: 1005916). An algorithm developed to predict the effect of missense changes on protein structure and function (PolyPhen-2) suggests that this variant is likely to be disruptive. In summary, the available evidence is currently insufficient to determine the role of this variant in disease. Therefore, it has been classified as a Variant of Uncertain Significance.

NM_000051.4(ATM):c.2409C>G (p.Phe803Leu)

Gene: ATM (ATM serine/threonine kinase; plus strand). Cytogenetic location: 11q22.3.
Variant type: single nucleotide variant.
Coding change: c.2409C>G on transcript NM_000051.4 (MANE Select); coding-DNA position 2409, C replaced by G.
Protein change: p.Phe803Leu; replaces phenylalanine 803 with leucine.
Molecular consequence: missense variant.
Genome position (GRCh38, 1-based): chr11:108,259,018, C>G. VCF-style: chr11-108259018-C-G. GRCh37 (hg19) VCF-style: chr11-108129745-C-G.
Other names: c.2409C>G, p.Phe803Leu (NM_001351834.2); short protein forms F803L.
Identifiers: ClinVar variation 1005916 (VCV001005916.8), dbSNP rs1416444032, ClinGen allele CA382541186.